The following is an entry in ClinVar:

NM_022489.4(INF2):c.558C>T (p.Ser186=)

Gene: INF2 (inverted formin 2; plus strand). Cytogenetic location: 14q32.33.
Variant type: single nucleotide variant.
Coding change: c.558C>T on transcript NM_022489.4 (MANE Select); coding-DNA position 558, C replaced by T.
Protein change: p.Ser186=; no amino-acid change (serine 186 retained).
Molecular consequence: synonymous variant.
Genome position (GRCh38, 1-based): chr14:104,703,345, C>T. VCF-style: chr14-104703345-C-T. GRCh37 (hg19) VCF-style: chr14-105169682-C-T.
Other names: c.558C>T, p.Ser186= (NM_001031714.4, NM_032714.3).
Identifiers: ClinVar variation 540059 (VCV000540059.49), dbSNP rs150714865, ClinGen allele CA7372329.

ClinVar aggregate classification (germline): Benign/Likely benign. Review status: criteria provided, multiple submitters, no conflicts (2 of 4 stars). 9 submissions from 9 submitters: Benign (5); Likely benign (3). 1 of the submissions does not count toward it. Last evaluated 2026-01-02.

Conditions:
Charcot-Marie-Tooth disease dominant intermediate E. Also called: CHARCOT-MARIE-TOOTH NEUROPATHY WITH FOCAL SEGMENTAL GLOMERULONEPHRITIS. Identifiers: Orphanet 93114, MedGen C4302667, MONDO:0013758, OMIM 614455.
Focal segmental glomerulosclerosis 5 (FSGS5). Identifiers: Orphanet 656, MedGen C2750475, MONDO:0013191, OMIM 613237.
INF2-related disorder. Also called: INF2-related condition.
Inborn genetic diseases. Identifiers: MedGen C0950123, MeSH D030342.

Allele frequency attached by ClinVar (database versions not stated): gnomAD exomes 0.00025 and 0.00046; ExAC 0.00053; ESP Exome Variant Server 0.00147; gnomAD 0.00149 and 0.00158; TOPMed 0.00152; 1000 Genomes Project 30x 0.00187; 1000 Genomes Project 0.00220.
gnomAD v4.1: 599 of 1,613,126 alleles (0.037%); highest among the groups gnomAD compares: African/African-American, 0.43%; no homozygotes.

Submissions (9):

Labcorp Genetics (formerly Invitae), Labcorp
Classification: Benign for Charcot-Marie-Tooth disease dominant intermediate E; Focal segmental glomerulosclerosis 5. Last evaluated: 2026-01-02. Review status: criteria provided, single submitter. Criteria: Invitae Variant Classification Sherloc (09022015). Collection method: clinical testing. Allele origin: germline.

CeGaT Center for Human Genetics Tuebingen
Classification: Likely benign. Last evaluated: 2023-07-01. Review status: criteria provided, single submitter. Criteria: CeGaT Center For Human Genetics Tuebingen Variant Classification Criteria Version 2. Collection method: clinical testing. Allele origin: germline. Affected: yes. Observed: 1 variant allele.
Comment: INF2: BP4, BP7

Fulgent Genetics
Classification: Likely benign for Focal segmental glomerulosclerosis 5; Charcot-Marie-Tooth disease dominant intermediate E. Last evaluated: 2021-11-03. Review status: criteria provided, single submitter. Criteria: ACMG Guidelines, 2015. Collection method: clinical testing. Allele origin: unknown.

GeneDx
Classification: Benign. Last evaluated: 2020-09-02. Review status: criteria provided, single submitter. Criteria: GeneDx Variant Classification Process June 2021. Collection method: clinical testing. Allele origin: germline. Affected: yes.

Athena Diagnostics
Classification: Benign. Last evaluated: 2020-03-11. Review status: criteria provided, single submitter. Criteria: Athena Diagnostics Criteria. Collection method: clinical testing. Allele origin: unknown.

Ambry Genetics
Classification: Likely benign for Inborn genetic diseases. Last evaluated: 2019-07-11. Review status: criteria provided, single submitter. Criteria: Ambry Variant Classification Scheme 2023. Collection method: clinical testing. Allele origin: germline.

Illumina Laboratory Services, Illumina
Classification: Benign for Focal segmental glomerulosclerosis 5. Last evaluated: 2018-01-12. Review status: criteria provided, single submitter. Criteria: ICSL Variant Classification Criteria 13 December 2019. Collection method: clinical testing. Allele origin: germline.
Comment: This variant was observed in the ICSL laboratory as part of a predisposition screen in an ostensibly healthy population. It had not been previously curated by ICSL or reported in the Human Gene Mutation Database (HGMD: prior to June 1st, 2018), and was therefore a candidate for classification through an automated scoring system. Utilizing variant allele frequency, disease prevalence and penetrance estimates, and inheritance mode, an automated score was calculated to assess if this variant is too frequent to cause the disease. Based on the score and internal cut-off values, a variant classified as benign is not then subjected to further curation. The score for this variant resulted in a classification of benign for this disease.

Breakthrough Genomics
Classification: Benign. Review status: criteria provided, single submitter. Criteria: ACMG Guidelines, 2015. Collection method: not provided. Allele origin: germline. Inheritance: Autosomal dominant inheritance. Affected: yes.

PreventionGenetics, part of Exact Sciences
Classification: Likely benign for INF2-related condition. Last evaluated: 2019-04-11. Review status: no assertion criteria provided. Collection method: clinical testing. Allele origin: germline. Not counted in ClinVar's aggregate classification.
Comment: This variant is classified as likely benign based on ACMG/AMP sequence variant interpretation guidelines (Richards et al. 2015 PMID: 25741868, with internal and published modifications).